The following is an entry in ClinVar:

NM_000138.5(FBN1):c.1415dup (p.Tyr472Ter)

Gene: FBN1 (fibrillin 1; minus strand). Cytogenetic location: 15q21.1.
Variant type: Duplication.
Coding change: c.1415dup on transcript NM_000138.5 (MANE Select); coding-DNA position 1415, one base duplicated (A; older notation c.1415dupA).
Protein change: p.Tyr472Ter; replaces tyrosine 472 with a stop codon.
Molecular consequence: nonsense. On other transcripts: frameshift variant (2).
Genome position (GRCh38, 1-based): chr15:48,515,440, T duplicated on the plus strand (A on the coding strand, the reverse complement: FBN1 is on the minus strand). VCF-style (leftmost placement, unchanged base first): chr15-48515439-G-GT. GRCh37 (hg19) VCF-style: chr15-48807637-C-TT.
Other names: c.1415_1416insA (NM_000138.4); c.1415dup, p.Tyr472Terfs (NM_001406716.1); short protein forms Y472*.
Identifiers: ClinVar variation 1803107 (VCV001803107.1), dbSNP rs2505617581, ClinGen allele CA1139768920.

ClinVar aggregate classification (germline): Likely pathogenic (1 of 4 stars; one submission).

Conditions:
MASS syndrome (OCTD). Also called: MASS PHENOTYPE; OVERLAP CONNECTIVE TISSUE DISEASE. Identifiers: MedGen C1858556, MONDO:0011431, OMIM 604308.

Submission:

Genetics and Molecular Pathology, SA Pathology
Classification: Likely pathogenic for MASS syndrome. Last evaluated: 2021-02-03. Review status: criteria provided, single submitter. Criteria: ACMG Guidelines, 2015. Collection method: clinical testing. Allele origin: germline. Affected: yes.
Comment: The FBN1 c.1415_1416insA variant is classified as Likely Pathogenic (PVS1, PM2). FBN1-specific variant interpretation guidelines also applied (PMID#29875124)

Literature cited by the submitters: PubMed 29875124.